The following is an entry in ClinVar:

NM_013266.4(CTNNA3):c.1628G>T (p.Arg543Leu)

Gene: CTNNA3 (catenin alpha 3; minus strand). Cytogenetic location: 10q21.3.
Variant type: single nucleotide variant.
Coding change: c.1628G>T on transcript NM_013266.4 (MANE Select); coding-DNA position 1628, G replaced by T.
Protein change: p.Arg543Leu; replaces arginine 543 with leucine.
Molecular consequence: missense variant.
Genome position (GRCh38, 1-based): chr10:66,379,256, C>A on the plus strand (G>T on the coding strand, the complement: CTNNA3 is on the minus strand). VCF-style: chr10-66379256-C-A. GRCh37 (hg19) VCF-style: chr10-68139014-C-A.
Other names: c.1628G>T, p.Arg543Leu (NM_001127384.3); short protein forms R543L.
Identifiers: ClinVar variation 4008025 (VCV004008025.1).

ClinVar aggregate classification (germline): Uncertain significance (1 of 4 stars; one submission).

Submission:

Ambry Genetics
Classification: Uncertain significance. Last evaluated: 2025-05-24. Review status: criteria provided, single submitter. Criteria: Ambry Variant Classification Scheme 2023. Collection method: clinical testing. Allele origin: germline.
Comment: The p.R543L variant (also known as c.1628G>T), located in coding exon 11 of the CTNNA3 gene, results from a G to T substitution at nucleotide position 1628. The arginine at codon 543 is replaced by leucine, an amino acid with dissimilar properties. This amino acid position is conserved. In addition, the in silico prediction for this alteration is inconclusive. Based on the available evidence, the clinical significance of this variant remains unclear.